The following is an entry in ClinVar:

ClinVar aggregate classification (germline): Pathogenic (1 of 4 stars; one submission).

Conditions:
Familial adenomatous polyposis 1 (FAP1). Also called: POLYPOSIS, ADENOMATOUS INTESTINAL; FAMILIAL ADENOMATOUS POLYPOSIS 1, ATTENUATED. Identifiers: MedGen C2713442, MONDO:0021056, OMIM 175100. Disease mechanism: loss of function.

Submission:

Labcorp Genetics (formerly Invitae), Labcorp
Classification: Pathogenic for Familial adenomatous polyposis 1. Last evaluated: 2025-03-19. Review status: criteria provided, single submitter. Criteria: Invitae Variant Classification Sherloc (09022015). Collection method: clinical testing. Allele origin: germline.
Comment: This sequence change creates a premature translational stop signal (p.Ile1254Metfs*3) in the APC gene. While this is not anticipated to result in nonsense mediated decay, it is expected to disrupt the last 1590 amino acid(s) of the APC protein. This variant is not present in population databases (gnomAD no frequency). This variant has not been reported in the literature in individuals affected with APC-related conditions. This variant is expected to disrupt the EB1 and HDLG binding sites, which mediate interactions with the cytoskeleton (PMID: 15311282, 17293347). While functional studies have not been performed to directly test the effect on APC protein function, this suggests that disruption of the C-terminal portion of the protein is functionally important. A different truncation (p.Tyr2645Lysfs*14) that lies downstream of this variant has been determined to be pathogenic (PMID: 9824584, 1316610, 27081525, 8381579, 22135120, internal data). This suggests that deletion of this region of the APC protein is causative of disease. For these reasons, this variant has been classified as Pathogenic.

Literature cited by the submitters: PubMed 15311282; PubMed 17293347; PubMed 9824584; PubMed 1316610; PubMed 27081525; PubMed 8381579; PubMed 22135120.

NM_000038.6(APC):c.3762_3855del (p.Ile1254fs)

Gene: APC (APC regulator of Wnt signaling pathway; plus strand). Cytogenetic location: 5q22.2.
Variant type: Deletion.
Coding change: c.3762_3855del on transcript NM_000038.6 (MANE Select); coding-DNA positions 3762 to 3855, 94 bases deleted.
Protein change: p.Ile1254fs; shifts the reading frame from isoleucine 1254.
Molecular consequence: frameshift variant.
Genome position (GRCh38, 1-based): chr5:112,839,356-112,839,449, 94 bases deleted. GRCh37 (hg19): chr5:112,175,053-112,175,146.
Other names: c.3762_3855del, p.Ile1254fs (NM_001127510.3, NM_001354895.2); c.3708_3801del, p.Ile1236fs (NM_001127511.3); c.3816_3909del, p.Ile1272fs (NM_001354896.2); c.3792_3885del, p.Ile1264fs (NM_001354897.2); c.3687_3780del, p.Ile1229fs (NM_001354898.2); c.3678_3771del, p.Ile1226fs (NM_001354899.2); c.3639_3732del, p.Ile1213fs (NM_001354900.2); c.3585_3678del, p.Ile1195fs (NM_001354901.2); and 5 more; short protein forms I1094fs, I1254fs, I1163fs, I1226fs, I1264fs, I1153fs, I1128fs, I1195fs.
Identifiers: ClinVar variation 1430241 (VCV001430241.6), dbSNP rs2149898504, ClinGen allele CA2573138697.